The following is an entry in ClinVar:

ClinVar aggregate classification (germline): Uncertain significance (1 of 4 stars; one submission).

Allele frequency attached by ClinVar (database versions not stated): gnomAD exomes below 0.00001; TOPMed below 0.00001; gnomAD 0.00001.

Submission:

Labcorp Genetics (formerly Invitae), Labcorp
Classification: Uncertain significance. Last evaluated: 2022-06-13. Review status: criteria provided, single submitter. Criteria: Invitae Variant Classification Sherloc (09022015). Collection method: clinical testing. Allele origin: germline.
Comment: This sequence change creates a premature translational stop signal (p.Gln998Aspfs*5) in the PDZD7 gene. While this is not anticipated to result in nonsense mediated decay, it is expected to disrupt the last 36 amino acid(s) of the PDZD7 protein. This variant is not present in population databases (gnomAD no frequency). In summary, the available evidence is currently insufficient to determine the role of this variant in disease. Therefore, it has been classified as a Variant of Uncertain Significance. Experimental studies and prediction algorithms are not available or were not evaluated, and the functional significance of this variant is currently unknown. This variant has not been reported in the literature in individuals affected with PDZD7-related conditions.

NM_001195263.2(PDZD7):c.2992_2993del (p.Gln998fs)

Gene: PDZD7 (PDZ domain containing 7; minus strand). Cytogenetic location: 10q24.31.
Variant type: Deletion.
Coding change: c.2992_2993del on transcript NM_001195263.2 (MANE Select); coding-DNA positions 2992 to 2993, 2 bases deleted (CA; older notation c.2992_2993delCA).
Protein change: p.Gln998fs; shifts the reading frame from glutamine 998.
Molecular consequence: frameshift variant.
Genome position (GRCh38, 1-based): chr10:101,008,576-101,008,577, TG deleted on the plus strand (CA on the coding strand, the reverse complement: PDZD7 is on the minus strand). VCF-style (leftmost placement, unchanged base first): chr10-101008575-CTG-C. GRCh37 (hg19) VCF-style: chr10-102768332-CTG-C.
Other names: short protein forms Q998fs.
Identifiers: ClinVar variation 2005434 (VCV002005434.4), dbSNP rs1471327428, ClinGen allele CA658920765.
Genomic context (GRCh38, chr10:101,008,575, plus strand): 5'-GGCTGGGGAGGGGGCTGGGCTGGGAGTTGGCTGGAGGAGCCTGGCATCAGTGGGAGGAGT[CTG>C]GGGATTGGTGGGAGGTTCTGGGAGCCAGTGGGCAGGAACTGGAGCAGCATCAAGGGGTTG-3'